The following is an entry in ClinVar:

NM_000548.5(TSC2):c.2743G>A (p.Gly915Ser)

Gene: TSC2 (TSC complex subunit 2; plus strand). Cytogenetic location: 16p13.3.
Variant type: single nucleotide variant.
Coding change: c.2743G>A on transcript NM_000548.5 (MANE Select); coding-DNA position 2743, G replaced by A.
Protein change: p.Gly915Ser; replaces glycine 915 with serine.
Molecular consequence: missense variant. On other transcripts: non-coding transcript variant (5).
Genome position (GRCh38, 1-based): chr16:2,076,491, G>A. VCF-style: chr16-2076491-G-A. GRCh37 (hg19) VCF-style: chr16-2126492-G-A.
Other names: c.2743G>A, p.Gly915Ser (NM_001077183.3, NM_001114382.3, NM_001363528.2 and 6 more transcripts); c.2632G>A, p.Gly878Ser (NM_001318827.2, NM_001406670.1, NM_001406678.1); c.2596G>A, p.Gly866Ser (NM_001318829.2, NM_001406675.1, NM_001406676.1 and 1 more transcripts); c.2143G>A, p.Gly715Ser (NM_001318831.2, NM_001406680.1, NM_001406682.1 and 6 more transcripts); c.2776G>A, p.Gly926Ser (NM_001318832.2); c.2833G>A, p.Gly945Ser (NM_001406667.1, NM_001406668.1); c.2731G>A, p.Gly911Ser (NM_001406671.1, NM_001406673.1); c.2686G>A, p.Gly896Ser (NM_001406677.1); and 3 more; short protein forms G381S, G896S, G911S, G915S, G926S, G878S, G467S, G761S.
Identifiers: ClinVar variation 2825896 (VCV002825896.4), dbSNP rs2543928232, ClinGen allele CA394279756.

ClinVar aggregate classification (germline): Uncertain significance. Review status: criteria provided, multiple submitters, no conflicts (2 of 4 stars). 2 submissions from 2 submitters: Uncertain significance (2). Last evaluated 2026-09-08.

Conditions:
Tuberous sclerosis 2 (TSC2). Identifiers: Orphanet 805, MedGen C1860707, MONDO:0013199, OMIM 613254.
Hereditary cancer-predisposing syndrome. Also called: Hereditary Cancer Syndrome; Hereditary neoplastic syndrome; Neoplastic Syndromes, Hereditary; Tumor predisposition. Identifiers: Orphanet 140162, MedGen C0027672, MeSH D009386, MONDO:0015356.

Submissions (2):

Ambry Genetics
Classification: Uncertain significance for Hereditary cancer-predisposing syndrome. Last evaluated: 2026-09-08. Review status: criteria provided, single submitter. Criteria: Ambry Variant Classification Scheme 2023. Collection method: clinical testing. Allele origin: germline.
Comment: The p.G915S variant (also known as c.2743G>A) is located in coding exon 24 of the TSC2 gene. The glycine at codon 915 is replaced by serine, an amino acid with similar properties. This change occurs in the first base pair of coding exon 24. This amino acid position is conserved. In addition, this alteration is predicted to be deleterious by in silico analysis. Based on the available evidence, the clinical significance of this variant remains unclear.

Labcorp Genetics (formerly Invitae), Labcorp
Classification: Uncertain significance for Tuberous sclerosis 2. Last evaluated: 2023-04-09. Review status: criteria provided, single submitter. Criteria: Invitae Variant Classification Sherloc (09022015). Collection method: clinical testing. Allele origin: germline.
Comment: This sequence change replaces glycine, which is neutral and non-polar, with serine, which is neutral and polar, at codon 915 of the TSC2 protein (p.Gly915Ser). This variant is not present in population databases (gnomAD no frequency). This variant has not been reported in the literature in individuals affected with TSC2-related conditions. An algorithm developed to predict the effect of missense changes on protein structure and function (PolyPhen-2) suggests that this variant is likely to be disruptive. In summary, the available evidence is currently insufficient to determine the role of this variant in disease. Therefore, it has been classified as a Variant of Uncertain Significance.